The following is an entry in ClinVar:

NM_002430.3(MN1):c.2539A>G (p.Thr847Ala)

Gene: MN1 (MN1 proto-oncogene, transcriptional regulator; minus strand). Cytogenetic location: 22q12.1.
Variant type: single nucleotide variant.
Coding change: c.2539A>G on transcript NM_002430.3 (MANE Select); coding-DNA position 2539, A replaced by G.
Protein change: p.Thr847Ala; replaces threonine 847 with alanine.
Molecular consequence: missense variant.
Genome position (GRCh38, 1-based): chr22:27,798,005, T>C on the plus strand (A>G on the coding strand, the complement: MN1 is on the minus strand). VCF-style: chr22-27798005-T-C. GRCh37 (hg19) VCF-style: chr22-28193993-T-C.
Other names: short protein forms T847A.
Identifiers: ClinVar variation 3365119 (VCV003365119.2).

ClinVar aggregate classification (germline): Uncertain significance (1 of 4 stars; one submission).

Submission:

GeneDx
Classification: Uncertain significance. Last evaluated: 2025-11-19. Review status: criteria provided, single submitter. Criteria: GeneDx Variant Classification Process June 2021. Collection method: clinical testing. Allele origin: germline.
Comment: Not observed at significant frequency in large population cohorts (gnomAD); In silico analysis supports that this missense variant has a deleterious effect on protein structure/function; Has not been previously published as pathogenic or benign to our knowledge